The following is an entry in ClinVar:

NM_020461.4(TUBGCP6):c.5437AAC[3] (p.Asn1814dup)

Gene: TUBGCP6 (tubulin gamma complex component 6; minus strand). Cytogenetic location: 22q13.33.
Variant type: Microsatellite.
Coding change: c.5437AAC[3] on transcript NM_020461.4 (MANE Select); three copies in a row of the 3-base unit AAC starting at c.5437; the reference has two copies in a row; one copy, 3 bases duplicated.
Protein change: p.Asn1814dup; duplicates asparagine 1814.
Molecular consequence: inframe insertion.
Genome position (GRCh38, 1-based): chr22:50,217,754-50,217,756, GTT duplicated on the plus strand (AAC on the coding strand, the reverse complement: TUBGCP6 is on the minus strand); duplicating any 3 consecutive bases within chr22:50,217,754-50,217,760 gives the same sequence; the position shown is the placement nearest the transcript's 3' end. VCF-style (leftmost placement, unchanged base first): chr22-50217753-A-AGTT. GRCh37 (hg19) VCF-style: chr22-50656182-A-AGTT.
Identifiers: ClinVar variation 962289 (VCV000962289.9), dbSNP rs760483595, ClinGen allele CA10307003.

ClinVar aggregate classification (germline): Uncertain significance (1 of 4 stars; one submission).

Submission:

Labcorp Genetics (formerly Invitae), Labcorp
Classification: Uncertain significance. Last evaluated: 2024-11-11. Review status: criteria provided, single submitter. Criteria: Invitae Variant Classification Sherloc (09022015). Collection method: clinical testing. Allele origin: germline.
Comment: This variant, c.5440_5442dup, results in the insertion of 1 amino acid(s) of the TUBGCP6 protein (p.Asn1814dup), but otherwise preserves the integrity of the reading frame. This variant is present in population databases (rs760483595, gnomAD 0.04%). This variant has not been reported in the literature in individuals affected with TUBGCP6-related conditions. ClinVar contains an entry for this variant (Variation ID: 962289). Experimental studies and prediction algorithms are not available or were not evaluated, and the functional significance of this variant is currently unknown. In summary, the available evidence is currently insufficient to determine the role of this variant in disease. Therefore, it has been classified as a Variant of Uncertain Significance.